The following is an entry in ClinVar:

ClinVar aggregate classification (germline): Uncertain significance (1 of 4 stars; one submission).

Submission:

Labcorp Genetics (formerly Invitae), Labcorp
Classification: Uncertain significance. Last evaluated: 2025-05-02. Review status: criteria provided, single submitter. Criteria: Invitae Variant Classification Sherloc (09022015). Collection method: clinical testing. Allele origin: germline.
Comment: This sequence change replaces lysine, which is basic and polar, with threonine, which is neutral and polar, at codon 1710 of the MYO7A protein (p.Lys1710Thr). This variant is not present in population databases (gnomAD no frequency). This variant has not been reported in the literature in individuals affected with MYO7A-related conditions. Invitae Evidence Modeling of protein sequence and biophysical properties (such as structural, functional, and spatial information, amino acid conservation, physicochemical variation, residue mobility, and thermodynamic stability) indicates that this missense variant is not expected to disrupt MYO7A protein function with a negative predictive value of 95%. In summary, the available evidence is currently insufficient to determine the role of this variant in disease. Therefore, it has been classified as a Variant of Uncertain Significance.

NM_000260.4(MYO7A):c.5129A>C (p.Lys1710Thr)

Gene: MYO7A (myosin VIIA; plus strand). Cytogenetic location: 11q13.5.
Variant type: single nucleotide variant.
Coding change: c.5129A>C on transcript NM_000260.4 (MANE Select); coding-DNA position 5129, A replaced by C.
Protein change: p.Lys1710Thr; replaces lysine 1710 with threonine.
Molecular consequence: missense variant.
Genome position (GRCh38, 1-based): chr11:77,202,385, A>C. VCF-style: chr11-77202385-A-C. GRCh37 (hg19) VCF-style: chr11-76913430-A-C.
Other names: c.5015A>C, p.Lys1672Thr (NM_001127180.2); c.4982A>C, p.Lys1661Thr (NM_001369365.1); short protein forms K1661T, K1672T, K1710T.
Identifiers: ClinVar variation 4800487 (VCV004800487.1).